The following is an entry in ClinVar:

NM_199350.4(C9orf50):c.575A>G (p.Asn192Ser)

Genes: C9orf50 (chromosome 9 open reading frame 50; minus strand), NTMT1 (N-terminal Xaa-Pro-Lys N-methyltransferase 1; plus strand). Cytogenetic location: 9q34.11.
Variant type: single nucleotide variant.
Coding change: c.575A>G on transcript NM_199350.4 (MANE Select); coding-DNA position 575, A replaced by G.
Protein change: p.Asn192Ser; replaces asparagine 192 with serine.
Molecular consequence: missense variant. On other transcripts: intron variant (1).
Genome position (GRCh38, 1-based): chr9:129,619,764, T>C on the plus strand (A>G on the coding strand, the complement: C9orf50 is on the minus strand). VCF-style: chr9-129619764-T-C. GRCh37 (hg19) VCF-style: chr9-132382043-T-C.
Other names: c.-55+10586T>C (NM_001286796.2); short protein forms N192S.
Identifiers: ClinVar variation 2659571 (VCV002659571.22), dbSNP rs139758889, ClinGen allele CA5277121.

ClinVar aggregate classification (germline): Likely benign (1 of 4 stars; one submission).

Allele frequency attached by ClinVar (database versions not stated): 1000 Genomes Project 0.00240; ExAC 0.00308; gnomAD 0.00316; ESP Exome Variant Server 0.00431; gnomAD exomes 0.00361; 1000 Genomes Project 30x 0.00234; TOPMed 0.00346.
gnomAD v4.1: 5,792 of 1,613,656 alleles (0.36%); highest among the groups gnomAD compares: Middle Eastern, 1.1%; 20 homozygotes.

Submission:

CeGaT Center for Human Genetics Tuebingen
Classification: Likely benign. Last evaluated: 2023-02-01. Review status: criteria provided, single submitter. Criteria: CeGaT Center For Human Genetics Tuebingen Variant Classification Criteria Version 2. Collection method: clinical testing. Allele origin: germline. Affected: yes. Observed: 1 variant allele.
Comment: C9orf50: BP4, BS2